The following is an entry in ClinVar:

ClinVar aggregate classification (germline): Uncertain significance (1 of 4 stars; one submission).

Conditions:
Hereditary pancreatitis (PCTT). Also called: Hereditary chronic pancreatitis; PRSS1-Related Hereditary Pancreatitis. Identifiers: Orphanet 676, MedGen C0238339, MONDO:0008185, OMIM 167800.

Submission:

Ambry Genetics
Classification: Uncertain significance for Hereditary pancreatitis. Last evaluated: 2025-06-29. Review status: criteria provided, single submitter. Criteria: Ambry Variant Classification Scheme 2023. Collection method: clinical testing. Allele origin: germline.
Comment: The p.T207I variant (also known as c.620C>T), located in coding exon 6 of the CPA1 gene, results from a C to T substitution at nucleotide position 620. The threonine at codon 207 is replaced by isoleucine, an amino acid with similar properties. This amino acid position is conserved. In addition, this alteration is predicted to be tolerated by in silico analysis. Based on the available evidence, the clinical significance of this variant remains unclear.

NM_001868.4(CPA1):c.620C>T (p.Thr207Ile)

Gene: CPA1 (carboxypeptidase A1; plus strand). Cytogenetic location: 7q32.2.
Variant type: single nucleotide variant.
Coding change: c.620C>T on transcript NM_001868.4 (MANE Select); coding-DNA position 620, C replaced by T.
Protein change: p.Thr207Ile; replaces threonine 207 with isoleucine.
Molecular consequence: missense variant.
Genome position (GRCh38, 1-based): chr7:130,383,718, C>T. VCF-style: chr7-130383718-C-T. GRCh37 (hg19) VCF-style: chr7-130023559-C-T.
Other names: short protein forms T207I.
Identifiers: ClinVar variation 4233082 (VCV004233082.1).